The following is an entry in ClinVar:

NM_004415.4(DSP):c.2897C>T (p.Ala966Val)

Gene: DSP (desmoplakin; plus strand). Cytogenetic location: 6p24.3.
Variant type: single nucleotide variant.
Coding change: c.2897C>T on transcript NM_004415.4 (MANE Select); coding-DNA position 2897, C replaced by T.
Protein change: p.Ala966Val; replaces alanine 966 with valine.
Molecular consequence: missense variant.
Genome position (GRCh38, 1-based): chr6:7,577,798, C>T. VCF-style: chr6-7577798-C-T. GRCh37 (hg19) VCF-style: chr6-7578031-C-T.
Other names: c.2897C>T, p.Ala966Val (NM_001008844.3, NM_001319034.2); short protein forms A966V.
Identifiers: ClinVar variation 1797361 (VCV001797361.4), dbSNP rs2533917101, ClinGen allele CA362682396.

ClinVar aggregate classification (germline): Uncertain significance. Review status: criteria provided, multiple submitters, no conflicts (2 of 4 stars). 2 submissions from 2 submitters: Uncertain significance (2). Last evaluated 2026-01-19.

Conditions:
Arrhythmogenic right ventricular dysplasia 8 (ARVD8). Also called: Arrhythmogenic Right Ventricular Dysplasia/Cardiomyopathy 8; ARRHYTHMOGENIC RIGHT VENTRICULAR DYSPLASIA, FAMILIAL, 8; ARRHYTHMOGENIC RIGHT VENTRICULAR CARDIOMYOPATHY 8. Identifiers: MedGen C1843896, MONDO:0011831, OMIM 607450.
Arrhythmogenic cardiomyopathy with wooly hair and keratoderma. Also called: PALMOPLANTAR KERATODERMA WITH LEFT VENTRICULAR CARDIOMYOPATHY AND WOOLLY HAIR; Carvajal syndrome; Dilated cardiomyopathy with woolly hair and keratoderma; Arrhythmogenic cardiomyopathy with woolly hair and keratoderma. Identifiers: Orphanet 65282, MedGen C1854063, MONDO:0011581, OMIM 605676.
Cardiovascular phenotype. Identifiers: MedGen CN230736.

Submissions (2):

Labcorp Genetics (formerly Invitae), Labcorp
Classification: Uncertain significance for Arrhythmogenic cardiomyopathy with wooly hair and keratoderma; Arrhythmogenic right ventricular dysplasia 8. Last evaluated: 2026-01-19. Review status: criteria provided, single submitter. Criteria: Invitae Variant Classification Sherloc (09022015). Collection method: clinical testing. Allele origin: germline.
Comment: This sequence change replaces alanine, which is neutral and non-polar, with valine, which is neutral and non-polar, at codon 966 of the DSP protein (p.Ala966Val). This variant is not present in population databases (gnomAD no frequency). This variant has not been reported in the literature in individuals affected with DSP-related conditions. ClinVar contains an entry for this variant (Variation ID: 1797361). An algorithm developed to predict the effect of missense changes on protein structure and function (PolyPhen-2) suggests that this variant is likely to be disruptive. In summary, the available evidence is currently insufficient to determine the role of this variant in disease. Therefore, it has been classified as a Variant of Uncertain Significance.

Ambry Genetics
Classification: Uncertain significance for Cardiovascular phenotype. Last evaluated: 2023-01-03. Review status: criteria provided, single submitter. Criteria: Ambry Variant Classification Scheme 2023. Collection method: clinical testing. Allele origin: germline.
Comment: The p.A966V variant (also known as c.2897C>T), located in coding exon 21 of the DSP gene, results from a C to T substitution at nucleotide position 2897. The alanine at codon 966 is replaced by valine, an amino acid with similar properties. This amino acid position is highly conserved in available vertebrate species. In addition, the in silico prediction for this alteration is inconclusive. Since supporting evidence is limited at this time, the clinical significance of this alteration remains unclear.